The following is an entry in ClinVar:

ClinVar aggregate classification (germline): Pathogenic (1 of 4 stars; one submission).

Conditions:
Angelman syndrome (AS). Also called: HAPPY PUPPET SYNDROME. Identifiers: Orphanet 72, MedGen C0162635, MONDO:0007113, OMIM 105830. Disease mechanism: loss of function. Inheritance: AS is caused by disruption of maternally imprinted UBE3A located within the 15q11.2-q13 Angelman syndrome/Prader-Willi syndrome (AS/PWS) region., imprinting disorder.

Submission:

Labcorp Genetics (formerly Invitae), Labcorp
Classification: Pathogenic for Angelman syndrome. Last evaluated: 2022-08-23. Review status: criteria provided, single submitter. Criteria: Invitae Variant Classification Sherloc (09022015). Collection method: clinical testing. Allele origin: germline.
Comment: This variant is not present in population databases (gnomAD no frequency). This sequence change creates a premature translational stop signal (p.Asp776Metfs*22) in the UBE3A gene. It is expected to result in an absent or disrupted protein product. Loss-of-function variants in UBE3A are known to be pathogenic (PMID: 25212744). This variant has not been reported in the literature in individuals affected with UBE3A-related conditions. For these reasons, this variant has been classified as Pathogenic. Algorithms developed to predict the effect of sequence changes on RNA splicing suggest that this variant may disrupt the consensus splice site. ClinVar contains an entry for this variant (Variation ID: 1430133).

Literature cited by the submitters: PubMed 25212744.

NM_130839.5(UBE3A):c.2385del (p.Asp796fs)

Genes: SNHG14 (small nucleolar RNA host gene 14; plus strand), UBE3A (ubiquitin protein ligase E3A; minus strand). Cytogenetic location: 15q11.2.
Variant type: Deletion.
Coding change: c.2385del on transcript NM_130839.5 (MANE Select); coding-DNA position 2385, one base deleted (A; older notation c.2385delA).
Protein change: p.Asp796fs; shifts the reading frame from aspartic acid 796.
Molecular consequence: frameshift variant. On other transcripts: non-coding transcript variant (1).
Genome position (GRCh38, 1-based): chr15:25,340,198, T deleted on the plus strand (A on the coding strand, the reverse complement: UBE3A is on the minus strand). VCF-style (leftmost placement, unchanged base first): chr15-25340197-CT-C. GRCh37 (hg19) VCF-style: chr15-25585344-CT-C.
Other names: c.2394del, p.Asp799fs (NM_000462.5); c.2385del, p.Asp796fs (NM_001354505.1, NM_001354538.2); c.2325del, p.Asp776fs (NM_001354506.2, NM_001354507.2, NM_001354508.2 and 14 more transcripts); c.2229del, p.Asp744fs (NM_001354545.2); c.2208del, p.Asp737fs (NM_001354546.2); c.2169del, p.Asp724fs (NM_001354547.2, NM_001354548.2); c.2160del, p.Asp721fs (NM_001354549.2); c.1134del, p.Asp379fs (NM_001354550.2); and 1 more; short protein forms D379fs, D724fs, D737fs, D359fs, D776fs, D796fs, D721fs, D744fs.
Identifiers: ClinVar variation 1430133 (VCV001430133.6), dbSNP rs2152515439, ClinGen allele CA2573150590.